The following is an entry in ClinVar:

NM_002076.4(GNS):c.1171A>G (p.Met391Val)

Gene: GNS (glucosamine (N-acetyl)-6-sulfatase; minus strand). Cytogenetic location: 12q14.3.
Variant type: single nucleotide variant.
Coding change: c.1171A>G on transcript NM_002076.4 (MANE Select); coding-DNA position 1171, A replaced by G.
Protein change: p.Met391Val; replaces methionine 391 with valine.
Molecular consequence: missense variant.
Genome position (GRCh38, 1-based): chr12:64,728,985, T>C on the plus strand (A>G on the coding strand, the complement: GNS is on the minus strand). VCF-style: chr12-64728985-T-C. GRCh37 (hg19) VCF-style: chr12-65122765-T-C.
Other names: short protein forms M391V.
Identifiers: ClinVar variation 4717260 (VCV004717260.1).

ClinVar aggregate classification (germline): Uncertain significance (1 of 4 stars; one submission).

Conditions:
Mucopolysaccharidosis, MPS-III-D (MPS3D). Also called: N-ACETYLGLUCOSAMINE-6-SULFATASE DEFICIENCY; SANFILIPPO SYNDROME D; MPS III D; Mucopoly-saccharidosis type 3D; N-acetylglucosamine-6-sulfate sulfatase deficiency; MPS 3D. Identifiers: Orphanet 581, Orphanet 79272, MedGen C0086650, MONDO:0009658, OMIM 252940.

gnomAD v4.1: 1 of 1,587,640 alleles (0.000063%); highest among the groups gnomAD compares: Admixed American, 0.0017%; no homozygotes.

Submission:

Labcorp Genetics (formerly Invitae), Labcorp
Classification: Uncertain significance for Mucopolysaccharidosis, MPS-III-D. Last evaluated: 2025-11-04. Review status: criteria provided, single submitter. Criteria: Invitae Variant Classification Sherloc (09022015). Collection method: clinical testing. Allele origin: germline.
Comment: This sequence change replaces methionine, which is neutral and non-polar, with valine, which is neutral and non-polar, at codon 391 of the GNS protein (p.Met391Val). This variant is present in population databases (no rsID available, gnomAD 0.003%). This variant has not been reported in the literature in individuals affected with GNS-related conditions. Invitae Evidence Modeling of protein sequence and biophysical properties (such as structural, functional, and spatial information, amino acid conservation, physicochemical variation, residue mobility, and thermodynamic stability) indicates that this missense variant is not expected to disrupt GNS protein function with a negative predictive value of 80%. In summary, the available evidence is currently insufficient to determine the role of this variant in disease. Therefore, it has been classified as a Variant of Uncertain Significance.